The following is an entry in ClinVar:

NM_001085458.2(CTNND1):c.2572C>T (p.Arg858Ter)

Genes: CTNND1 (catenin delta 1; plus strand), TMX2-CTNND1 (TMX2-CTNND1 readthrough (NMD candidate); plus strand). Cytogenetic location: 11q12.1.
Variant type: single nucleotide variant.
Coding change: c.2572C>T on transcript NM_001085458.2 (MANE Select); coding-DNA position 2572, C replaced by T.
Protein change: p.Arg858Ter; replaces arginine 858 with a stop codon.
Molecular consequence: nonsense. On other transcripts: non-coding transcript variant (1).
Genome position (GRCh38, 1-based): chr11:57,811,420, C>T. VCF-style: chr11-57811420-C-T. GRCh37 (hg19) VCF-style: chr11-57578892-C-T.
Other names: c.2554C>T, p.Arg852Ter (NM_001085459.2, NM_001085460.2, NM_001085461.2 and 2 more transcripts); c.2269C>T, p.Arg757Ter (NM_001085463.2, NM_001085466.2); c.2251C>T, p.Arg751Ter (NM_001085464.2, NM_001085465.2, NM_001085467.2 and 3 more transcripts); c.2410C>T, p.Arg804Ter (NM_001206883.2, NM_001206884.2); c.2572C>T, p.Arg858Ter (NM_001206885.2); c.2392C>T, p.Arg798Ter (NM_001206886.2, NM_001206887.2, NM_001206888.2 and 2 more transcripts); short protein forms R804*, R852*, R757*, R798*, R858*, R751*.
Identifiers: ClinVar variation 800854 (VCV000800854.5), dbSNP rs1591672193, ClinGen allele CA380815970.

ClinVar aggregate classification (germline): Pathogenic/Likely pathogenic. Review status: criteria provided, multiple submitters, no conflicts (2 of 4 stars). 4 submissions from 4 submitters: Pathogenic (1); Likely pathogenic (1). 2 of the submissions do not count toward it.

Conditions:
Cleft lip with or without cleft palate. Identifiers: Orphanet 1991, MedGen C0810364, MONDO:0016034.
Blepharocheilodontic syndrome 2 (BCDS2). Identifiers: MedGen C4540127, MONDO:0040503, OMIM 617681.

Submissions (4):

Clinical Genetics Service, Universitary Hospital 12 de Octubre
Classification: Pathogenic for Blepharocheilodontic syndrome 2. Review status: criteria provided, single submitter. Criteria: ACMG Guidelines, 2015. Collection method: clinical testing. Allele origin: germline. Affected: yes.

Institute for Genomic Statistics and Bioinformatics, University Hospital Bonn
Classification: Likely pathogenic for Blepharocheilodontic syndrome 2. Review status: criteria provided, single submitter. Criteria: ACMG Guidelines, 2015. Collection method: clinical testing. Allele origin: paternal. Inheritance: Autosomal dominant inheritance. Affected: yes. Observed: 1 heterozygote.
Comment: PVS1, PM2

Biochemical Molecular Genetic Laboratory, King Abdulaziz Medical City
Classification: Pathogenic for Blepharocheilodontic syndrome 2. Last evaluated: 2019-08-25. Review status: no assertion criteria provided. Collection method: clinical testing. Allele origin: germline. Affected: yes. Not counted in ClinVar's aggregate classification.

University of Washington Center for Mendelian Genomics, University of Washington
Classification: Likely pathogenic for Cleft Lip with or without Cleft Palate. Review status: no assertion criteria provided. Collection method: research. Allele origin: inherited. Affected: yes. Not counted in ClinVar's aggregate classification.

Literature cited by the submitters: PubMed 29805042 (cited by University of Washington Center for Mendelian Genomics, University of Washington).